The following is an entry in ClinVar:

NM_001348768.2(HECW2):c.2679A>G (p.Gln893=)

Gene: HECW2 (HECT, C2 and WW domain containing E3 ubiquitin protein ligase 2; minus strand). Cytogenetic location: 2q32.3.
Variant type: single nucleotide variant.
Coding change: c.2679A>G on transcript NM_001348768.2 (MANE Select); coding-DNA position 2679, A replaced by G.
Protein change: p.Gln893=; no amino-acid change (glutamine 893 retained).
Molecular consequence: synonymous variant.
Genome position (GRCh38, 1-based): chr2:196,307,140, T>C on the plus strand (A>G on the coding strand, the complement: HECW2 is on the minus strand). VCF-style: chr2-196307140-T-C. GRCh37 (hg19) VCF-style: chr2-197171864-T-C.
Other names: c.1611A>G, p.Gln537= (NM_001304840.3); c.2679A>G, p.Gln893= (NM_020760.4).
Identifiers: ClinVar variation 3031344 (VCV003031344.3), dbSNP rs760809624, ClinGen allele CA2038013.

ClinVar aggregate classification (germline): Likely benign. Review status: criteria provided, single submitter (1 of 4 stars). 2 submissions from 2 submitters: Likely benign (1). 1 of the submissions does not count toward it. Last evaluated 2024-08-06.

Conditions:
HECW2-related disorder. Also called: HECW2-related condition.

Allele frequency attached by ClinVar (database versions not stated): gnomAD exomes 0.00002; TOPMed 0.00003; ExAC 0.00004; gnomAD 0.00005.
gnomAD v4.1: 40 of 1,611,250 alleles (0.0025%); highest among the groups gnomAD compares: Non-Finnish European, 0.003%; no homozygotes.

Submissions (2):

Blueprint Genetics
Classification: Likely benign. Last evaluated: 2024-08-06. Review status: criteria provided, single submitter. Criteria: ACMG Guidelines, 2015. Collection method: clinical testing. Allele origin: germline.

PreventionGenetics, part of Exact Sciences
Classification: Likely benign for HECW2-related condition. Last evaluated: 2023-02-21. Review status: no assertion criteria provided. Collection method: clinical testing. Allele origin: germline. Not counted in ClinVar's aggregate classification.
Comment: This variant is classified as likely benign based on ACMG/AMP sequence variant interpretation guidelines (Richards et al. 2015 PMID: 25741868, with internal and published modifications).